The following is an entry in ClinVar:

ClinVar aggregate classification (germline): Uncertain significance. Review status: criteria provided, multiple submitters, no conflicts (2 of 4 stars). 2 submissions from 2 submitters: Uncertain significance (2). Last evaluated 2025-10-09.

Conditions:
Polycystic kidney disease, adult type (PKD1). Also called: Polycystic Kidney Disease 1, Autosomal Dominant; Polycystic kidney disease 1; Polycystic kidney disease 1, severe; POLYCYSTIC KIDNEY DISEASE 1 WITH OR WITHOUT POLYCYSTIC LIVER DISEASE; POLYCYSTIC KIDNEY DISEASE, ADULT, TYPE I; Polycystic Kidney, Autosomal Dominant. Identifiers: MedGen C3149841, MONDO:0008263, OMIM 173900.

Submissions (2):

Women's Health and Genetics/Laboratory Corporation of America, LabCorp
Classification: Uncertain significance. Last evaluated: 2025-10-09. Review status: criteria provided, single submitter. Criteria: LabCorp Variant Classification Summary - May 2015. Collection method: clinical testing. Allele origin: germline.
Comment: Variant summary: PKD1 c.3554G>T (p.Gly1185Val) results in a non-conservative amino acid change located in the PKD domain (IPR000601) of the encoded protein sequence. Algorithms developed to predict the effect of missense changes on protein structure and function all suggest that this variant is likely to be disruptive. The frequency data for this variant in gnomAD is considered unreliable, as metrics indicate poor data quality at this position. c.3554G>T has been observed in individual affected with Polycystic Kidney Disease 1 (Nielsen_2021). This report does not provide unequivocal conclusions about association of the variant with Polycystic Kidney Disease 1. To our knowledge, no experimental evidence demonstrating an impact on protein function has been reported. ClinVar contains an entry for this variant (Variation ID: 3579598). Based on the evidence outlined above, the variant was classified as uncertain significance.

Fulgent Genetics
Classification: Uncertain significance for Polycystic kidney disease, adult type. Last evaluated: 2024-01-04. Review status: criteria provided, single submitter. Criteria: ACMG Guidelines, 2015. Collection method: clinical testing. Allele origin: germline.

Literature cited by the submitters: PubMed 33639313 (cited by Women's Health and Genetics/Laboratory Corporation of America, LabCorp).

NM_001009944.3(PKD1):c.3554G>T (p.Gly1185Val)

Gene: PKD1 (polycystin 1, transient receptor potential channel interacting; minus strand). Cytogenetic location: 16p13.3.
Variant type: single nucleotide variant.
Coding change: c.3554G>T on transcript NM_001009944.3 (MANE Select); coding-DNA position 3554, G replaced by T.
Protein change: p.Gly1185Val; replaces glycine 1185 with valine.
Molecular consequence: missense variant.
Genome position (GRCh38, 1-based): chr16:2,111,613, C>A on the plus strand (G>T on the coding strand, the complement: PKD1 is on the minus strand). VCF-style: chr16-2111613-C-A. GRCh37 (hg19) VCF-style: chr16-2161614-C-A.
Other names: c.3554G>T, p.Gly1185Val (NM_000296.4); short protein forms G1185V.
Identifiers: ClinVar variation 3579598 (VCV003579598.3).